The following is an entry in ClinVar:

ClinVar aggregate classification (germline): Benign/Likely benign. Review status: criteria provided, multiple submitters, no conflicts (2 of 4 stars). 3 submissions from 3 submitters: Benign (1); Likely benign (2). Last evaluated 2025-09-10.

Allele frequency attached by ClinVar (database versions not stated): ExAC 0.00050; gnomAD 0.00058; TOPMed 0.00059; ESP Exome Variant Server 0.00062; gnomAD exomes 0.00099.
gnomAD v4.1: 1,557 of 1,614,006 alleles (0.096%); highest among the groups gnomAD compares: Non-Finnish European, 0.12%; 1 homozygote.

Submissions (3):

Labcorp Genetics (formerly Invitae), Labcorp
Classification: Benign. Last evaluated: 2025-09-10. Review status: criteria provided, single submitter. Criteria: Invitae Variant Classification Sherloc (09022015). Collection method: clinical testing. Allele origin: germline.

Blueprint Genetics
Classification: Likely benign. Last evaluated: 2024-10-29. Review status: criteria provided, single submitter. Criteria: ACMG Guidelines, 2015. Collection method: clinical testing. Allele origin: germline.

CeGaT Center for Human Genetics Tuebingen
Classification: Likely benign. Last evaluated: 2023-03-01. Review status: criteria provided, single submitter. Criteria: CeGaT Center For Human Genetics Tuebingen Variant Classification Criteria Version 2. Collection method: clinical testing. Allele origin: germline. Affected: yes. Observed: 1 variant allele.
Comment: BPTF: BP4, BP7, BS1

NM_182641.4(BPTF):c.6369A>G (p.Ser2123=)

Gene: BPTF (bromodomain PHD finger transcription factor; plus strand). Cytogenetic location: 17q24.2.
Variant type: single nucleotide variant.
Coding change: c.6369A>G on transcript NM_182641.4 (MANE Select); coding-DNA position 6369, A replaced by G.
Protein change: p.Ser2123=; no amino-acid change (serine 2123 retained).
Molecular consequence: synonymous variant.
Genome position (GRCh38, 1-based): chr17:67,940,548, A>G. VCF-style: chr17-67940548-A-G. GRCh37 (hg19) VCF-style: chr17-65936664-A-G.
Other names: c.6747A>G, p.Ser2249= (NM_004459.7).
Identifiers: ClinVar variation 2056122 (VCV002056122.29), dbSNP rs150366027, ClinGen allele CA8726192.
Genomic context (GRCh38, chr17:67,940,548, plus strand): 5'-CACTGCAGTCTCCGCCCCTAACACGGTTTCCTCAACACCTGGGCAGAAAAGCTTAACTTC[A>G]GCAACGTCCACTTCAAATATACAGTCTTCAGCCTCACAACCCCCTCGCCCCCAACAAGGA-3'
Protein context (NP_872579.2, residues 2113-2133): SSTPGQKSLT[Ser2123=]ATSTSNIQSS